The following is an entry in ClinVar:

NM_006231.4(POLE):c.2365G>A (p.Ala789Thr)

Gene: POLE (DNA polymerase epsilon, catalytic subunit; minus strand). Cytogenetic location: 12q24.33.
Variant type: single nucleotide variant.
Coding change: c.2365G>A on transcript NM_006231.4 (MANE Select); coding-DNA position 2365, G replaced by A.
Protein change: p.Ala789Thr; replaces alanine 789 with threonine.
Molecular consequence: missense variant.
Genome position (GRCh38, 1-based): chr12:132,665,405, C>T on the plus strand (G>A on the coding strand, the complement: POLE is on the minus strand). VCF-style: chr12-132665405-C-T. GRCh37 (hg19) VCF-style: chr12-133241991-C-T.
Other names: short protein forms A789T.
Identifiers: ClinVar variation 3225415 (VCV003225415.1), dbSNP rs1161381608, ClinGen allele CA387397668.

ClinVar aggregate classification (germline): Uncertain significance (1 of 4 stars; one submission).

Conditions:
Hereditary cancer-predisposing syndrome. Also called: Neoplastic Syndromes, Hereditary; Tumor predisposition; Hereditary neoplastic syndrome; Hereditary Cancer Syndrome. Identifiers: Orphanet 140162, MedGen C0027672, MeSH D009386, MONDO:0015356.

Allele frequency attached by ClinVar (database versions not stated): TOPMed below 0.00001; gnomAD 0.00001.
gnomAD v4.1: 2 of 1,613,262 alleles (0.00012%); highest among the groups gnomAD compares: Non-Finnish European, 0.000085%; no homozygotes.

Submission:

Ambry Genetics
Classification: Uncertain significance for Hereditary cancer-predisposing syndrome. Last evaluated: 2023-12-22. Review status: criteria provided, single submitter. Criteria: Ambry Variant Classification Scheme 2023. Collection method: clinical testing. Allele origin: germline.
Comment: The p.A789T variant (also known as c.2365G>A), located in coding exon 21 of the POLE gene, results from a G to A substitution at nucleotide position 2365. The alanine at codon 789 is replaced by threonine, an amino acid with similar properties. This amino acid position is conserved. In addition, this alteration is predicted to be tolerated by in silico analysis. Since supporting evidence is limited at this time, the clinical significance of this alteration remains unclear.